The following is an entry in ClinVar:

ClinVar aggregate classification (germline): Benign (1 of 4 stars; one submission).

Conditions:
Hereditary spastic paraplegia 31. Also called: SPASTIC PARAPLEGIA 31, AUTOSOMAL DOMINANT. Identifiers: Orphanet 101011, MedGen C1853247, MONDO:0012453, OMIM 610250.

Allele frequency attached by ClinVar (database versions not stated): gnomAD 0.03042 and 0.03260; TOPMed 0.03554; 1000 Genomes Project 0.03774; 1000 Genomes Project 30x 0.03966.

Submission:

Illumina Laboratory Services, Illumina
Classification: Benign for Hereditary spastic paraplegia 31. Last evaluated: 2017-04-27. Review status: criteria provided, single submitter. Criteria: ICSL Variant Classification Criteria 13 December 2019. Collection method: clinical testing. Allele origin: germline.
Comment: This variant was observed as part of a predisposition screen in an ostensibly healthy population. A literature search was performed for the gene, cDNA change, and amino acid change (where applicable). No publications were found based on this search. Allele frequency data from public databases was too high to be consistent with this variant causing disease. Therefore, this variant is classified as benign.

NM_001371279.1(REEP1):c.*2766T>C

Gene: REEP1 (receptor accessory protein 1; minus strand). Cytogenetic location: 2p11.2.
Variant type: single nucleotide variant.
Coding change: c.*2766T>C on transcript NM_001371279.1 (MANE Select); 2766 bases downstream of the stop codon, T replaced by C.
Molecular consequence: 3 prime UTR variant.
Genome position (GRCh38, 1-based): chr2:86,214,273, A>G on the plus strand (T>C on the coding strand, the complement: REEP1 is on the minus strand). VCF-style: chr2-86214273-A-G. GRCh37 (hg19) VCF-style: chr2-86441396-A-G.
Other names: c.*2827T>C (NM_001164730.2, NM_001164731.2, NM_022912.3); c.*2766T>C (NM_001164732.2, NM_001371280.1).
Identifiers: ClinVar variation 337347 (VCV000337347.5), dbSNP rs57249135, ClinGen allele CA10614577.